The following is an entry in ClinVar:

ClinVar aggregate classification (germline): Likely benign. Review status: criteria provided, single submitter (1 of 4 stars). 2 submissions from 2 submitters: Likely benign (1). 1 of the submissions does not count toward it. Last evaluated 2025-11-21.

Conditions:
REST-related disorder. Also called: REST-related condition.

Allele frequency attached by ClinVar (database versions not stated): ExAC 0.00002; TOPMed 0.00003; gnomAD 0.00004 and 0.00005; gnomAD exomes 0.00004 and 0.00013.
gnomAD v4.1: 205 of 1,614,122 alleles (0.013%); highest among the groups gnomAD compares: Non-Finnish European, 0.016%; no homozygotes.

Submissions (2):

Labcorp Genetics (formerly Invitae), Labcorp
Classification: Likely benign. Last evaluated: 2025-11-21. Review status: criteria provided, single submitter. Criteria: Invitae Variant Classification Sherloc (09022015). Collection method: clinical testing. Allele origin: germline.

PreventionGenetics, part of Exact Sciences
Classification: Likely benign for REST-related condition. Last evaluated: 2022-09-20. Review status: no assertion criteria provided. Collection method: clinical testing. Allele origin: germline. Not counted in ClinVar's aggregate classification.
Comment: This variant is classified as likely benign based on ACMG/AMP sequence variant interpretation guidelines (Richards et al. 2015 PMID: 25741868, with internal and published modifications).

NM_005612.5(REST):c.2541T>C (p.Asp847=)

Gene: REST (RE1 silencing transcription factor; plus strand). Cytogenetic location: 4q12.
Variant type: single nucleotide variant.
Coding change: c.2541T>C on transcript NM_005612.5 (MANE Select); coding-DNA position 2541, T replaced by C.
Protein change: p.Asp847=; no amino-acid change (aspartic acid 847 retained).
Molecular consequence: synonymous variant.
Genome position (GRCh38, 1-based): chr4:56,931,399, T>C. VCF-style: chr4-56931399-T-C. GRCh37 (hg19) VCF-style: chr4-57797565-T-C.
Other names: c.2541T>C, p.Asp847= (NM_001193508.2, NM_001363453.3).
Identifiers: ClinVar variation 1092831 (VCV001092831.11), dbSNP rs755609294, ClinGen allele CA2932509.